The following is an entry in ClinVar:

ClinVar aggregate classification (germline): Uncertain significance. Review status: criteria provided, multiple submitters, no conflicts (2 of 4 stars). 2 submissions from 2 submitters: Uncertain significance (2). Last evaluated 2024-10-25.

Conditions:
Inborn genetic diseases. Identifiers: MedGen C0950123, MeSH D030342.

Allele frequency attached by ClinVar (database versions not stated): ExAC 0.00001; gnomAD 0.00001 and 0.00002; gnomAD exomes 0.00001; TOPMed 0.00001.
gnomAD v4.1: 18 of 1,613,926 alleles (0.0011%); highest among the groups gnomAD compares: Middle Eastern, 0.033%; no homozygotes.

Submissions (2):

Labcorp Genetics (formerly Invitae), Labcorp
Classification: Uncertain significance. Last evaluated: 2024-10-25. Review status: criteria provided, single submitter. Criteria: Invitae Variant Classification Sherloc (09022015). Collection method: clinical testing. Allele origin: germline.
Comment: This sequence change replaces isoleucine, which is neutral and non-polar, with valine, which is neutral and non-polar, at codon 53 of the TUBGCP4 protein (p.Ile53Val). This variant is present in population databases (rs775133037, gnomAD 0.002%). This variant has not been reported in the literature in individuals affected with TUBGCP4-related conditions. ClinVar contains an entry for this variant (Variation ID: 1393311). Invitae Evidence Modeling of protein sequence and biophysical properties (such as structural, functional, and spatial information, amino acid conservation, physicochemical variation, residue mobility, and thermodynamic stability) indicates that this missense variant is not expected to disrupt TUBGCP4 protein function with a negative predictive value of 80%. In summary, the available evidence is currently insufficient to determine the role of this variant in disease. Therefore, it has been classified as a Variant of Uncertain Significance.

Ambry Genetics
Classification: Uncertain significance for Inborn genetic diseases. Last evaluated: 2022-12-19. Review status: criteria provided, single submitter. Criteria: Ambry Variant Classification Scheme 2023. Collection method: clinical testing. Allele origin: germline.

NM_014444.5(TUBGCP4):c.157A>G (p.Ile53Val)

Gene: TUBGCP4 (tubulin gamma complex component 4; plus strand). Cytogenetic location: 15q15.3.
Variant type: single nucleotide variant.
Coding change: c.157A>G on transcript NM_014444.5 (MANE Select); coding-DNA position 157, A replaced by G.
Protein change: p.Ile53Val; replaces isoleucine 53 with valine.
Molecular consequence: missense variant.
Genome position (GRCh38, 1-based): chr15:43,376,176, A>G. VCF-style: chr15-43376176-A-G. GRCh37 (hg19) VCF-style: chr15-43668374-A-G.
Other names: c.157A>G (NM_014444.2); c.157A>G, p.Ile53Val (NM_001286414.3); short protein forms I53V.
Identifiers: ClinVar variation 1393311 (VCV001393311.8), dbSNP rs775133037, ClinGen allele CA7523668.